The following is an entry in ClinVar:

ClinVar aggregate classification (germline): Uncertain significance (1 of 4 stars; one submission).

Conditions:
Tay-Sachs disease (TSD). Also called: GM2 gangliosidosis, type 1; Hexosaminidase alpha-subunit deficiency (variant B); Sphingolipidosis, Tay-Sachs; Hexosaminidase A Deficiency; HEXA DEFICIENCY; HEXA Disorders. Identifiers: Orphanet 845, MedGen C0039373, MONDO:0010100, OMIM 272800.

Submission:

Labcorp Genetics (formerly Invitae), Labcorp
Classification: Uncertain significance for Tay-Sachs disease. Last evaluated: 2018-04-12. Review status: criteria provided, single submitter. Criteria: Invitae Variant Classification Sherloc (09022015). Collection method: clinical testing. Allele origin: germline.
Comment: This sequence change replaces arginine with proline at codon 36 of the HEXA protein (p.Arg36Pro). The arginine residue is weakly conserved and there is a moderate physicochemical difference between arginine and proline. This variant is not present in population databases (ExAC no frequency). This variant has not been reported in the literature in individuals with HEXA-related disease. Algorithms developed to predict the effect of missense changes on protein structure and function do not agree on the potential impact of this missense change (SIFT: "Tolerated"; PolyPhen-2: "Possibly Damaging"; Align-GVGD: "Class C0"). In summary, the available evidence is currently insufficient to determine the role of this variant in disease. Therefore, it has been classified as a Variant of Uncertain Significance.

NM_000520.6(HEXA):c.107G>C (p.Arg36Pro)

Gene: HEXA (hexosaminidase subunit alpha; minus strand). Cytogenetic location: 15q23.
Variant type: single nucleotide variant.
Coding change: c.107G>C on transcript NM_000520.6 (MANE Select); coding-DNA position 107, G replaced by C.
Protein change: p.Arg36Pro; replaces arginine 36 with proline.
Molecular consequence: missense variant. On other transcripts: non-coding transcript variant (1).
Genome position (GRCh38, 1-based): chr15:72,375,866, C>G on the plus strand (G>C on the coding strand, the complement: HEXA is on the minus strand). VCF-style: chr15-72375866-C-G. GRCh37 (hg19) VCF-style: chr15-72668207-C-G.
Other names: c.107G>C, p.Arg36Pro (NM_001318825.2); short protein forms R36P.
Identifiers: ClinVar variation 2169082 (VCV002169082.1), dbSNP rs2542582198, ClinGen allele CA393070535.